The following is an entry in ClinVar:

ClinVar aggregate classification (germline): Benign/Likely benign. Review status: criteria provided, multiple submitters, no conflicts (2 of 4 stars). 5 submissions from 5 submitters: Benign (2); Likely benign (1). 2 of the submissions do not count toward it. Last evaluated 2025-07-27.

Conditions:
Polycystic kidney disease 4 (PKD4). Also called: PKD3; POLYCYSTIC KIDNEY AND HEPATIC DISEASE 1; POLYCYSTIC KIDNEY DISEASE, INFANTILE, TYPE I; POLYCYSTIC KIDNEY DISEASE 4 WITH OR WITHOUT POLYCYSTIC LIVER DISEASE; Autosomal Recessive Polycystic Kidney Disease – PKHD1. Identifiers: MedGen C4540575, MONDO:0033004, OMIM 263200.
PKHD1-related disorder. Also called: PKHD1-related condition.
Autosomal recessive polycystic kidney disease (ARPKD). Also called: AR polycystic kidney disease. Identifiers: Orphanet 731, Orphanet 8378, MedGen C0085548, MeSH D017044, MONDO:0009889.

Allele frequency attached by ClinVar (database versions not stated): gnomAD below 0.00001 and 0.00009; TOPMed 0.00001; gnomAD exomes 0.00023 and 0.00043; ExAC 0.00044; 1000 Genomes Project 0.00120; 1000 Genomes Project 30x 0.00141.

Submissions (5):

Labcorp Genetics (formerly Invitae), Labcorp
Classification: Benign for Autosomal recessive polycystic kidney disease. Last evaluated: 2025-07-27. Review status: criteria provided, single submitter. Criteria: Invitae Variant Classification Sherloc (09022015). Collection method: clinical testing. Allele origin: germline.

Department of Pathology and Laboratory Medicine, Sinai Health System
Classification: Likely benign for Polycystic kidney disease 4. Last evaluated: 2024-04-25. Review status: criteria provided, single submitter. Criteria: ACMG Guidelines, 2015. Collection method: clinical testing. Allele origin: germline. Affected: yes.

Fulgent Genetics
Classification: Benign for Polycystic kidney disease 4. Last evaluated: 2022-01-01. Review status: criteria provided, single submitter. Criteria: ACMG Guidelines, 2015. Collection method: clinical testing. Allele origin: unknown.

PreventionGenetics, part of Exact Sciences
Classification: Likely benign for PKHD1-related condition. Last evaluated: 2021-08-25. Review status: no assertion criteria provided. Collection method: clinical testing. Allele origin: germline. Not counted in ClinVar's aggregate classification.
Comment: This variant is classified as likely benign based on ACMG/AMP sequence variant interpretation guidelines (Richards et al. 2015 PMID: 25741868, with internal and published modifications).

Natera, Inc.
Classification: Uncertain significance for Autosomal recessive polycystic kidney disease. Last evaluated: 2017-05-08. Review status: no assertion criteria provided. Collection method: clinical testing. Allele origin: germline. Not counted in ClinVar's aggregate classification.

NM_138694.4(PKHD1):c.1088G>A (p.Gly363Glu)

Gene: PKHD1 (PKHD1 ciliary IPT domain containing fibrocystin/polyductin; minus strand). Cytogenetic location: 6p12.2.
Variant type: single nucleotide variant.
Coding change: c.1088G>A on transcript NM_138694.4 (MANE Select); coding-DNA position 1088, G replaced by A.
Protein change: p.Gly363Glu; replaces glycine 363 with glutamic acid.
Molecular consequence: missense variant.
Genome position (GRCh38, 1-based): chr6:52,062,549, C>T on the plus strand (G>A on the coding strand, the complement: PKHD1 is on the minus strand). VCF-style: chr6-52062549-C-T. GRCh37 (hg19) VCF-style: chr6-51927347-C-T.
Other names: c.1088G>A, p.Gly363Glu (NM_170724.3); short protein forms G363E.
Identifiers: ClinVar variation 703794 (VCV000703794.16), dbSNP rs573293029, ClinGen allele CA3853653.